The following is an entry in ClinVar:

NM_006231.4(POLE):c.3155_3156delinsTA (p.Thr1052Ile)

Gene: POLE (DNA polymerase epsilon, catalytic subunit; minus strand). Cytogenetic location: 12q24.33.
Variant type: Indel.
Coding change: c.3155_3156delinsTA on transcript NM_006231.4 (MANE Select); coding-DNA positions 3155 to 3156, CG replaced by TA.
Protein change: p.Thr1052Ile; replaces threonine 1052 with isoleucine.
Molecular consequence: missense variant.
Genome position (GRCh38, 1-based): chr12:132,659,414-132,659,415, CG replaced by TA on the plus strand (CG replaced by TA on the coding strand, the reverse complement: POLE is on the minus strand). VCF-style: chr12-132659414-CG-TA. GRCh37 (hg19) VCF-style: chr12-133236000-CG-TA.
Other names: c.3155_3156delCGinsTA (NM_006231.3); short protein forms T1052I.
Identifiers: ClinVar variation 650933 (VCV000650933.9), dbSNP rs1593772548, ClinGen allele CA915946837.

ClinVar aggregate classification (germline): Uncertain significance (1 of 4 stars; one submission).

Submission:

Labcorp Genetics (formerly Invitae), Labcorp
Classification: Uncertain significance. Last evaluated: 2023-11-01. Review status: criteria provided, single submitter. Criteria: Invitae Variant Classification Sherloc (09022015). Collection method: clinical testing. Allele origin: germline.
Comment: This sequence change replaces threonine, which is neutral and polar, with isoleucine, which is neutral and non-polar, at codon 1052 of the POLE protein (p.Thr1052Ile). Information on the frequency of this variant in the gnomAD database is not available, as this variant may be reported differently in the database. This variant has not been reported in the literature in individuals affected with POLE-related conditions. ClinVar contains an entry for this variant (Variation ID: 650933). An algorithm developed to predict the effect of missense changes on protein structure and function (PolyPhen-2) suggests that this variant is likely to be disruptive. In summary, the available evidence is currently insufficient to determine the role of this variant in disease. Therefore, it has been classified as a Variant of Uncertain Significance.